The following is an entry in ClinVar:

NM_006031.6(PCNT):c.7530C>G (p.Arg2510=)

Gene: PCNT (pericentrin; plus strand). Cytogenetic location: 21q22.3.
Variant type: single nucleotide variant.
Coding change: c.7530C>G on transcript NM_006031.6 (MANE Select); coding-DNA position 7530, C replaced by G.
Protein change: p.Arg2510=; no amino-acid change (arginine 2510 retained).
Molecular consequence: synonymous variant.
Genome position (GRCh38, 1-based): chr21:46,428,430, C>G. VCF-style: chr21-46428430-C-G. GRCh37 (hg19) VCF-style: chr21-47848344-C-G.
Other names: c.7530C>G (NM_006031.5); c.7176C>G, p.Arg2392= (NM_001315529.2).
Identifiers: ClinVar variation 2855894 (VCV002855894.4), dbSNP rs1342939757, ClinGen allele CA512743539.

ClinVar aggregate classification (germline): Likely benign. Review status: criteria provided, single submitter (1 of 4 stars). 2 submissions from 2 submitters: Likely benign (1). 1 of the submissions does not count toward it. Last evaluated 2023-10-04.

Conditions:
PCNT-related disorder. Also called: PCNT-related condition.

Allele frequency attached by ClinVar (database versions not stated): gnomAD exomes below 0.00001.
gnomAD v4.1: 2 of 1,612,594 alleles (0.00012%); highest among the groups gnomAD compares: Non-Finnish European, 0.000085%; no homozygotes.

Submissions (2):

Labcorp Genetics (formerly Invitae), Labcorp
Classification: Likely benign. Last evaluated: 2023-10-04. Review status: criteria provided, single submitter. Criteria: Invitae Variant Classification Sherloc (09022015). Collection method: clinical testing. Allele origin: germline.

PreventionGenetics, part of Exact Sciences
Classification: Likely benign for PCNT-related condition. Last evaluated: 2024-05-08. Review status: no assertion criteria provided. Collection method: clinical testing. Allele origin: germline. Not counted in ClinVar's aggregate classification.
Comment: This variant is classified as likely benign based on ACMG/AMP sequence variant interpretation guidelines (Richards et al. 2015 PMID: 25741868, with internal and published modifications).